The following is an entry in ClinVar:

NM_000063.6(C2):c.1902+5G>A

Gene: C2 (complement C2; plus strand). Cytogenetic location: 6p21.33.
Variant type: single nucleotide variant.
Coding change: c.1902+5G>A on transcript NM_000063.6 (MANE Select); 5 bases into the intron after coding-DNA position 1902, G replaced by A.
Molecular consequence: intron variant.
Genome position (GRCh38, 1-based): chr6:31,944,231, G>A. VCF-style: chr6-31944231-G-A. GRCh37 (hg19) VCF-style: chr6-31912008-G-A.
Other names: c.1164+5G>A (NM_001282457.2); c.1260+5G>A (NM_001178063.3); c.1815+5G>A (NM_001282458.2); c.1506+5G>A (NM_001145903.3).
Identifiers: ClinVar variation 356255 (VCV000356255.9), dbSNP rs201711512, ClinGen allele CA3727814.

ClinVar aggregate classification (germline): Uncertain significance. Review status: criteria provided, multiple submitters, no conflicts (2 of 4 stars). 2 submissions from 2 submitters: Uncertain significance (2). Last evaluated 2022-09-06.

Conditions:
Age related macular degeneration 14. Also called: MACULAR DEGENERATION, AGE-RELATED, 14, REDUCED RISK OF. Identifiers: MedGen C3809653, MONDO:0014207, OMIM 615489.

Allele frequency attached by ClinVar (database versions not stated): gnomAD 0.00008 and 0.00009; TOPMed 0.00012; gnomAD exomes 0.00013 and 0.00017; ExAC 0.00016.
gnomAD v4.1: 202 of 1,598,544 alleles (0.013%); highest among the groups gnomAD compares: Admixed American, 0.017%; no homozygotes.

Submissions (3):

Labcorp Genetics (formerly Invitae), Labcorp
Classification: Uncertain significance. Last evaluated: 2022-09-06. Review status: criteria provided, single submitter. Criteria: Invitae Variant Classification Sherloc (09022015). Collection method: clinical testing. Allele origin: germline.
Comment: This sequence change falls in intron 15 of the C2 gene. It does not directly change the encoded amino acid sequence of the C2 protein. It affects a nucleotide within the consensus splice site. This variant is present in population databases (rs201711512, gnomAD 0.2%). This variant has not been reported in the literature in individuals affected with C2-related conditions. ClinVar contains an entry for this variant (Variation ID: 356255). Variants that disrupt the consensus splice site are a relatively common cause of aberrant splicing (PMID: 17576681, 9536098). Algorithms developed to predict the effect of sequence changes on RNA splicing suggest that this variant may disrupt the consensus splice site. In summary, the available evidence is currently insufficient to determine the role of this variant in disease. Therefore, it has been classified as a Variant of Uncertain Significance.

Illumina Laboratory Services, Illumina
Classification: Uncertain significance for Age related macular degeneration 14. Last evaluated: 2018-01-13. Review status: criteria provided, single submitter. Criteria: ICSL Variant Classification Criteria 13 December 2019. Collection method: clinical testing. Allele origin: germline.

Dr. Peter K. Rogan Lab, Western University
No classification provided (evidence only). Condition: Ovarian serous cystadenocarcinoma. Review status: no classification provided. Collection method: in vitro. Allele origin: not applicable. Functional consequence: retained intron. Not counted in ClinVar's aggregate classification.

Literature cited by the submitters: PubMed 17576681 (cited by Labcorp Genetics (formerly Invitae), Labcorp); PubMed 9536098 (cited by Labcorp Genetics (formerly Invitae), Labcorp).